The following is an entry in ClinVar:

NM_000057.4(BLM):c.4237T>A (p.Ser1413Thr)

Gene: BLM (BLM RecQ like helicase; plus strand). Cytogenetic location: 15q26.1.
Variant type: single nucleotide variant.
Coding change: c.4237T>A on transcript NM_000057.4 (MANE Select); coding-DNA position 4237, T replaced by A.
Protein change: p.Ser1413Thr; replaces serine 1413 with threonine.
Molecular consequence: missense variant.
Genome position (GRCh38, 1-based): chr15:90,815,262, T>A. VCF-style: chr15-90815262-T-A. GRCh37 (hg19) VCF-style: chr15-91358492-T-A.
Other names: c.4237T>A, p.Ser1413Thr (NM_001287246.2); c.3844T>A, p.Ser1282Thr (NM_001287247.2); c.3112T>A, p.Ser1038Thr (NM_001287248.2); short protein forms S1413T, S1038T, S1282T.
Identifiers: ClinVar variation 4827201 (VCV004827201.1).

ClinVar aggregate classification (germline): Uncertain significance (1 of 4 stars; one submission).

Conditions:
Hereditary cancer-predisposing syndrome. Also called: Neoplastic Syndromes, Hereditary; Tumor predisposition; Hereditary Cancer Syndrome; Hereditary neoplastic syndrome. Identifiers: Orphanet 140162, MedGen C0027672, MeSH D009386, MONDO:0015356.

gnomAD v4.1: 1 of 1,614,010 alleles (0.000062%); highest among the groups gnomAD compares: Non-Finnish European, 0.000085%; no homozygotes.

Submission:

Ambry Genetics
Classification: Uncertain significance for Hereditary cancer-predisposing syndrome. Last evaluated: 2026-02-23. Review status: criteria provided, single submitter. Criteria: Ambry Variant Classification Scheme 2023. Collection method: clinical testing. Allele origin: germline.
Comment: The p.S1413T variant (also known as c.4237T>A), located in coding exon 21 of the BLM gene, results from a T to A substitution at nucleotide position 4237. The serine at codon 1413 is replaced by threonine, an amino acid with similar properties. This amino acid position is conserved. In addition, this alteration is predicted to be tolerated by in silico analysis. Based on the available evidence, the clinical significance of this variant remains unclear.